The following is an entry in ClinVar:

NM_002739.5(PRKCG):c.285C>T (p.Asp95=)

Gene: PRKCG (protein kinase C gamma; plus strand). Cytogenetic location: 19q13.42.
Variant type: single nucleotide variant.
Coding change: c.285C>T on transcript NM_002739.5 (MANE Select); coding-DNA position 285, C replaced by T.
Protein change: p.Asp95=; no amino-acid change (aspartic acid 95 retained).
Molecular consequence: synonymous variant.
Genome position (GRCh38, 1-based): chr19:53,884,243, C>T. VCF-style: chr19-53884243-C-T. GRCh37 (hg19) VCF-style: chr19-54387497-C-T.
Other names: p.Asp95=; c.285C>T (LRG_669t1); c.285C>T, p.Asp95= (NM_001316329.2).
Identifiers: ClinVar variation 330058 (VCV000330058.12), dbSNP rs17854523, ClinGen allele CA9640240.

ClinVar aggregate classification (germline): Benign/Likely benign. Review status: criteria provided, multiple submitters, no conflicts (2 of 4 stars). 8 submissions from 8 submitters: Benign (6); Likely benign (2). Last evaluated 2025-04-29.

Conditions:
Spinocerebellar ataxia type 14 (SCA14). Identifiers: Orphanet 98763, MedGen C1854369, MONDO:0011540, OMIM 605361.

Allele frequency attached by ClinVar (database versions not stated): gnomAD exomes 0.00464 and 0.01148; ExAC 0.01301; gnomAD 0.03137 and 0.03329; TOPMed 0.03577; ESP Exome Variant Server 0.03752; 1000 Genomes Project 0.04034; 1000 Genomes Project 30x 0.04372.
gnomAD v4.1: 11,963 of 1,613,684 alleles (0.74%); highest among the groups gnomAD compares: African/African-American, 10%; 467 homozygotes.

Submissions (8):

Athena Diagnostics
Classification: Benign. Last evaluated: 2025-04-29. Review status: criteria provided, single submitter. Criteria: Athena Diagnostics Criteria. Collection method: clinical testing. Allele origin: unknown.
Comment: The frequency of this variant in the general population is higher than would generally be expected for pathogenic variants in this gene.

Mayo Clinic Laboratories, Mayo Clinic
Classification: Benign. Last evaluated: 2022-03-24. Review status: criteria provided, single submitter. Criteria: ACMG Guidelines, 2015. Collection method: clinical testing. Allele origin: germline. Observed: 14 variant alleles.

GeneDx
Classification: Benign. Last evaluated: 2021-05-05. Review status: criteria provided, single submitter. Criteria: GeneDx Variant Classification Process June 2021. Collection method: clinical testing. Allele origin: germline. Affected: yes.

Center for Pediatric Genomic Medicine, Children's Mercy Hospital and Clinics
Classification: Benign. Last evaluated: 2017-05-10. Review status: criteria provided, single submitter. Criteria: ACMG Guidelines, 2015. Collection method: clinical testing. Allele origin: germline.

Illumina Laboratory Services, Illumina
Classification: Likely benign for Spinocerebellar ataxia type 14. Last evaluated: 2017-04-27. Review status: criteria provided, single submitter. Criteria: ICSL Variant Classification Criteria 13 December 2019. Collection method: clinical testing. Allele origin: germline.
Comment: This variant was observed as part of a predisposition screen in an ostensibly healthy population. A literature search was performed for the gene, cDNA change, and amino acid change (where applicable). No publications were found based on this search. Allele frequency data from public databases allowed determination this variant is unlikely to cause disease. Therefore, this variant is classified as likely benign.

Genome Diagnostics Laboratory, University Medical Center Utrecht
Classification: Benign for Spinocerebellar ataxia type 14. Last evaluated: 2016-04-05. Review status: criteria provided, single submitter. Criteria: ACGS Guidelines, 2013. Collection method: clinical testing. Allele origin: germline. Affected: yes. Study: VKGL Data-share Consensus.

Clinical Genetics DNA and cytogenetics Diagnostics Lab, Erasmus MC, Erasmus Medical Center
Classification: Benign for Spinocerebellar ataxia type 14. Last evaluated: 2015-09-21. Review status: criteria provided, single submitter. Criteria: ACGS Guidelines, 2013. Collection method: clinical testing. Allele origin: germline. Affected: yes. Study: VKGL Data-share Consensus.

Breakthrough Genomics
Classification: Likely benign. Review status: criteria provided, single submitter. Criteria: ACMG Guidelines, 2015. Collection method: not provided. Allele origin: germline. Inheritance: Autosomal dominant inheritance. Affected: yes.

Literature cited by the submitters: PubMed 19561170 (cited by Athena Diagnostics); PubMed 21434874 (cited by Athena Diagnostics); PubMed 15824357 (cited by Athena Diagnostics).